The following is an entry in ClinVar:

NM_024577.4(SH3TC2):c.*20512C>A

Genes: SH3TC2 (SH3 domain and tetratricopeptide repeats 2; minus strand), LOC126807546 (P300/CBP strongly-dependent group 1 enhancer GRCh37_chr5:148363540-148364739; plus strand). Cytogenetic location: 5q32.
Variant type: single nucleotide variant.
Coding change: c.*20512C>A on transcript NM_024577.4 (MANE Select); 20512 bases downstream of the stop codon, C replaced by A.
Molecular consequence: 3 prime UTR variant.
Genome position (GRCh38, 1-based): chr5:148,984,199, G>T on the plus strand (C>A on the coding strand, the complement: SH3TC2 is on the minus strand). VCF-style: chr5-148984199-G-T. GRCh37 (hg19) VCF-style: chr5-148363762-G-T.
Identifiers: ClinVar variation 906806 (VCV000906806.4), dbSNP rs76577532, ClinGen allele CA128984886.

ClinVar aggregate classification (germline): Likely benign. Review status: criteria provided, single submitter (1 of 4 stars). 2 submissions from 1 submitter: Likely benign (2). Last evaluated 2018-01-13.

Conditions:
Susceptibility to mononeuropathy of the median nerve, mild. Also called: CARPAL TUNNEL SYNDROME, SUSCEPTIBILITY TO. Identifiers: MedGen C3150596, MONDO:0013237, OMIM 613353.
Charcot-Marie-Tooth disease type 4C (CMT4C). Also called: CHARCOT-MARIE-TOOTH DISEASE, DEMYELINATING, TYPE 4C; SH3TC2-Related Hereditary Motor and Sensory Neuropathy; Charcot-Marie-Tooth Neuropathy Type 4C (CMT4C); CHARCOT-MARIE-TOOTH DISEASE, DEMYELINATING, AUTOSOMAL RECESSIVE, TYPE 4C; CMT 4C. Identifiers: Orphanet 99949, MedGen C1866636, MONDO:0011113, OMIM 601596.

Allele frequency attached by ClinVar (database versions not stated): 1000 Genomes Project 0.00260; 1000 Genomes Project 30x 0.00297; gnomAD 0.00432 and 0.00463; TOPMed 0.00487.
gnomAD v4.1: 652 of 152,126 alleles (0.43%); highest among the groups gnomAD compares: African/African-American, 1.5%; 5 homozygotes.

Submissions (2):

Illumina Laboratory Services, Illumina
Classification: Likely benign for Charcot-Marie-Tooth disease type 4C. Last evaluated: 2018-01-13. Review status: criteria provided, single submitter. Criteria: ICSL Variant Classification Criteria 13 December 2019. Collection method: clinical testing. Allele origin: germline.
Comment: This variant was observed in the ICSL laboratory as part of a predisposition screen in an ostensibly healthy population. It had not been previously curated by ICSL or reported in the Human Gene Mutation Database (HGMD: prior to June 1st, 2018), and was therefore a candidate for classification through an automated scoring system. Utilizing variant allele frequency, disease prevalence and penetrance estimates, and inheritance mode, an automated score was calculated to assess if this variant is too frequent to cause the disease. Based on the score and internal cut-off values, a variant classified as likely benign is not then subjected to further curation. The score for this variant resulted in a classification of likely benign for this disease.

Illumina Laboratory Services, Illumina
Classification: Likely benign for Susceptibility to mononeuropathy of the median nerve, mild. Last evaluated: 2018-01-13. Review status: criteria provided, single submitter. Criteria: ICSL Variant Classification Criteria 13 December 2019. Collection method: clinical testing. Allele origin: germline.
Comment: the same text as in the submission from Illumina Laboratory Services, Illumina above.